The following is an entry in ClinVar:

NM_181882.3(PRX):c.2942G>A (p.Gly981Glu)

Gene: PRX (periaxin; minus strand). Cytogenetic location: 19q13.2.
Variant type: single nucleotide variant.
Coding change: c.2942G>A on transcript NM_181882.3 (MANE Select); coding-DNA position 2942, G replaced by A.
Protein change: p.Gly981Glu; replaces glycine 981 with glutamic acid.
Molecular consequence: missense variant. On other transcripts: 3 prime UTR variant (1).
Genome position (GRCh38, 1-based): chr19:40,395,410, C>T on the plus strand (G>A on the coding strand, the complement: PRX is on the minus strand). VCF-style: chr19-40395410-C-T. GRCh37 (hg19) VCF-style: chr19-40901317-C-T.
Other names: c.*3147G>A (NM_020956.2); short protein forms G981E.
Identifiers: ClinVar variation 1464085 (VCV001464085.7), dbSNP rs1568704659, ClinGen allele CA405895272.
Genomic context (GRCh38, chr19:40,395,410, plus strand): 5'-TGGGCATCCAGGCTGAGCTGTGGGATGGACAGATCGAGGGCAGGCAGCAGGCCTGCCTCC[C>T]CAGCCCCTTTGGCCTCAGCCTCAGCCCCCACCCGAGCCTTGGGGAGTGAGATGGCAAATT-3'
Protein context (NP_870998.2, residues 971-991): VGAEAEAKGA[Gly981Glu]EAGLLPALDL

ClinVar aggregate classification (germline): Uncertain significance (1 of 4 stars; one submission).

Conditions:
Charcot-Marie-Tooth disease type 4. Also called: Charcot-Marie-Tooth disease, type IV; Charcot-Marie-Tooth, Type 4. Identifiers: Orphanet 64749, MedGen C4082197, MONDO:0018995.

gnomAD v4.1: 1 of 1,614,054 alleles (0.000062%); highest among the groups gnomAD compares: South Asian, 0.0011%; no homozygotes.

Submission:

Labcorp Genetics (formerly Invitae), Labcorp
Classification: Uncertain significance for Charcot-Marie-Tooth disease type 4. Last evaluated: 2020-11-04. Review status: criteria provided, single submitter. Criteria: Invitae Variant Classification Sherloc (09022015). Collection method: clinical testing. Allele origin: germline.
Comment: In summary, the available evidence is currently insufficient to determine the role of this variant in disease. Therefore, it has been classified as a Variant of Uncertain Significance. Algorithms developed to predict the effect of missense changes on protein structure and function output the following: SIFT: "Deleterious"; PolyPhen-2: "Probably Damaging"; Align-GVGD: "Class C0". The glutamic acid amino acid residue is found in multiple mammalian species, suggesting that this missense change does not adversely affect protein function. These predictions have not been confirmed by published functional studies and their clinical significance is uncertain. This variant has not been reported in the literature in individuals with PRX-related conditions. This variant is not present in population databases (ExAC no frequency). This sequence change replaces glycine with glutamic acid at codon 981 of the PRX protein (p.Gly981Glu). The glycine residue is highly conserved and there is a moderate physicochemical difference between glycine and glutamic acid.